The following is an entry in ClinVar:

ClinVar aggregate classification (germline): Uncertain significance (1 of 4 stars; one submission).

gnomAD v4.1: 2 of 1,545,416 alleles (0.00013%); highest among the groups gnomAD compares: Non-Finnish European, 0.00017%; no homozygotes.

Submission:

GeneDx
Classification: Uncertain significance. Last evaluated: 2026-02-24. Review status: criteria provided, single submitter. Criteria: GeneDx Variant Classification Process June 2021. Collection method: clinical testing. Allele origin: germline.
Comment: Not observed at significant frequency in large population cohorts (gnomAD); In silico analysis suggests that this missense variant does not alter protein structure/function; Has not been previously published as pathogenic or benign to our knowledge

NM_032217.5(ANKRD17):c.155G>T (p.Arg52Leu)

Genes: ANKRD17 (ankyrin repeat domain 17; minus strand), LOC129992670 (ATAC-STARR-seq lymphoblastoid silent region 15476; plus strand). Cytogenetic location: 4q13.3.
Variant type: single nucleotide variant.
Coding change: c.155G>T on transcript NM_032217.5 (MANE Select); coding-DNA position 155, G replaced by T.
Protein change: p.Arg52Leu; replaces arginine 52 with leucine.
Molecular consequence: missense variant.
Genome position (GRCh38, 1-based): chr4:73,258,514, C>A on the plus strand (G>T on the coding strand, the complement: ANKRD17 is on the minus strand). VCF-style: chr4-73258514-C-A. GRCh37 (hg19) VCF-style: chr4-74124231-C-A.
Other names: c.155G>T, p.Arg52Leu (NM_015574.2, NM_198889.3); short protein forms R52L.
Identifiers: ClinVar variation 4975208 (VCV004975208.1).